The following is an entry in ClinVar:

ClinVar aggregate classification (germline): Uncertain significance (1 of 4 stars; one submission).

Allele frequency attached by ClinVar (database versions not stated): ExAC 0.00007; gnomAD 0.00011; gnomAD exomes 0.00011; TOPMed 0.00011.
gnomAD v4.1: 174 of 1,613,804 alleles (0.011%); highest among the groups gnomAD compares: Middle Eastern, 0.016%; no homozygotes.

Submission:

Ambry Genetics
Classification: Uncertain significance. Last evaluated: 2024-10-02. Review status: criteria provided, single submitter. Criteria: Ambry Variant Classification Scheme 2023. Collection method: clinical testing. Allele origin: germline.
Comment: The p.P505S variant (also known as c.1513C>T), located in coding exon 2 of the CDK12 gene, results from a C to T substitution at nucleotide position 1513. The proline at codon 505 is replaced by serine, an amino acid with similar properties. This amino acid position is conserved. In addition, this alteration is predicted to be tolerated by in silico analysis. Based on the available evidence, the clinical significance of this variant remains unclear.

NM_016507.4(CDK12):c.1513C>T (p.Pro505Ser)

Gene: CDK12 (cyclin dependent kinase 12; plus strand). Cytogenetic location: 17q12.
Variant type: single nucleotide variant.
Coding change: c.1513C>T on transcript NM_016507.4 (MANE Select); coding-DNA position 1513, C replaced by T.
Protein change: p.Pro505Ser; replaces proline 505 with serine.
Molecular consequence: missense variant.
Genome position (GRCh38, 1-based): chr17:39,471,345, C>T. VCF-style: chr17-39471345-C-T. GRCh37 (hg19) VCF-style: chr17-37627598-C-T.
Other names: c.1513C>T, p.Pro505Ser (NM_015083.4); short protein forms P505S.
Identifiers: ClinVar variation 2238972 (VCV002238972.3), dbSNP rs201624417, ClinGen allele CA8531149.
Genomic context (GRCh38, chr17:39,471,345, plus strand): 5'-GAGAACTCCGAGAAGCATCTTGTTAAAGATTTGAAAGCACAGGGAACAAGAGACTCTAAA[C>T]CCATAGCACTGAAAGAGGAGATTGTTACTCCAAAGGAGACAGAAACATCAGAAAAGGAGA-3'
Protein context (NP_057591.2, residues 495-515): LKAQGTRDSK[Pro505Ser]IALKEEIVTP